The following is an entry in ClinVar:

ClinVar aggregate classification (germline): Uncertain significance (1 of 4 stars; one submission).

Conditions:
Inborn genetic diseases. Identifiers: MedGen C0950123, MeSH D030342.

Submission:

Ambry Genetics
Classification: Uncertain significance for Inborn genetic diseases. Last evaluated: 2024-05-25. Review status: criteria provided, single submitter. Criteria: Ambry Variant Classification Scheme 2023. Collection method: clinical testing. Allele origin: germline.
Comment: The p.A57S variant (also known as c.169G>T), located in coding exon 1 of the ACD gene, results from a G to T substitution at nucleotide position 169. The alanine at codon 57 is replaced by serine, an amino acid with similar properties. This amino acid position is conserved. In addition, this alteration is predicted to be tolerated by in silico analysis. Based on the available evidence, the clinical significance of this variant remains unclear.

NM_001082486.1(ACD):c.169G>T (p.Ala57Ser)

Gene: ACD (ACD shelterin complex subunit and telomerase recruitment factor; minus strand). Cytogenetic location: 16q22.1.
Variant type: single nucleotide variant.
Coding change: c.169G>T on transcript NM_001082486.1; coding-DNA position 169, G replaced by T.
Protein change: p.Ala57Ser; replaces alanine 57 with serine.
Genome position (GRCh38, 1-based): chr16:67,660,310, C>A on the plus strand (G>T on the coding strand, the complement: ACD is on the minus strand). VCF-style: chr16-67660310-C-A. GRCh37 (hg19) VCF-style: chr16-67694213-C-A.
Other names: short protein forms A57S.
Identifiers: ClinVar variation 3261449 (VCV003261449.1).